The following is an entry in ClinVar:

NM_004385.5(VCAN):c.3964A>G (p.Ile1322Val)

Gene: VCAN (versican; plus strand). Cytogenetic location: 5q14.3.
Variant type: single nucleotide variant.
Coding change: c.3964A>G on transcript NM_004385.5 (MANE Select); coding-DNA position 3964, A replaced by G.
Protein change: p.Ile1322Val; replaces isoleucine 1322 with valine.
Molecular consequence: missense variant. On other transcripts: intron variant (2).
Genome position (GRCh38, 1-based): chr5:83,522,270, A>G. VCF-style: chr5-83522270-A-G. GRCh37 (hg19) VCF-style: chr5-82818089-A-G.
Other names: c.3964A>G, p.Ile1322Val (NM_001164098.2); c.1042+9874A>G (NM_001164097.2, NM_001126336.3); short protein forms I1322V.
Identifiers: ClinVar variation 1018734 (VCV001018734.8), dbSNP rs775174671, ClinGen allele CA3333083.

ClinVar aggregate classification (germline): Uncertain significance (1 of 4 stars; one submission).

Allele frequency attached by ClinVar (database versions not stated): gnomAD exomes below 0.00001; ExAC 0.00001.
gnomAD v4.1: 20 of 1,599,586 alleles (0.0013%); highest among the groups gnomAD compares: Middle Eastern, 0.017%; no homozygotes.

Submission:

Labcorp Genetics (formerly Invitae), Labcorp
Classification: Uncertain significance. Last evaluated: 2022-02-11. Review status: criteria provided, single submitter. Criteria: Invitae Variant Classification Sherloc (09022015). Collection method: clinical testing. Allele origin: germline.
Comment: In summary, the available evidence is currently insufficient to determine the role of this variant in disease. Therefore, it has been classified as a Variant of Uncertain Significance. Algorithms developed to predict the effect of missense changes on protein structure and function output the following: SIFT: "Deleterious"; PolyPhen-2: "Benign"; Align-GVGD: "Class C25". The valine amino acid residue is found in multiple mammalian species, which suggests that this missense change does not adversely affect protein function. ClinVar contains an entry for this variant (Variation ID: 1018734). This variant has not been reported in the literature in individuals affected with VCAN-related conditions. This variant is present in population databases (rs775174671, gnomAD 0.0009%). This sequence change replaces isoleucine, which is neutral and non-polar, with valine, which is neutral and non-polar, at codon 1322 of the VCAN protein (p.Ile1322Val).